The following is an entry in ClinVar:

ClinVar aggregate classification (germline): Conflicting classifications of pathogenicity. Review status: criteria provided, conflicting classifications (1 of 4 stars). 13 submissions from 13 submitters: Uncertain significance (10); Likely benign (3). Last evaluated 2025-11-12.

Conditions:
TTN-related disorder. Also called: TTN-related condition; TTN-related disease; TTN-related disorders.
Cardiovascular phenotype. Identifiers: MedGen CN230736.
Dilated cardiomyopathy 1G (CMD1G). Identifiers: Orphanet 154, MedGen C1858763, MONDO:0011400, OMIM 604145.
Autosomal recessive limb-girdle muscular dystrophy type 2J (LGMDR10). Also called: Limb-girdle muscular dystrophy, type 2J; MUSCULAR DYSTROPHY, LIMB-GIRDLE, AUTOSOMAL RECESSIVE 10. Identifiers: Orphanet 140922, MedGen C1837342, MONDO:0012127, OMIM 608807.
Cardiomyopathy (CMYO). Also called: Cardiomyopathies. Identifiers: Orphanet 167848, MedGen C0878544, MONDO:0004994, HP:0001638. Inheritance: Various modes of inheritance.

Submissions (13):

PreventionGenetics, part of Exact Sciences
Classification: Uncertain significance for TTN-related condition. Last evaluated: 2025-11-12. Review status: criteria provided, single submitter. Criteria: ACMG Guidelines, 2015. Collection method: clinical testing. Allele origin: germline.
Comment: The TTN c.62934_62936delAGA variant is predicted to result in an in-frame deletion (p.Glu20979del). This variant has been reported in cohorts of individuals with hypertrophic or dilated cardiomyopathy (described as c.55230_55232delAGA in Table S2, Mademont-Soler et al. 2017. PubMed ID: 28771489; Table S5, Perret et al. 2024. PubMed ID: 37904629). This variant is reported in 0.021% of alleles in individuals of European (Non-Finnish) descent in gnomAD. Although we suspect that this variant may be benign, at this time, the clinical significance of this variant is uncertain due to the absence of conclusive functional and genetic evidence.

Women's Health and Genetics/Laboratory Corporation of America, LabCorp
Classification: Uncertain significance. Last evaluated: 2025-08-19. Review status: criteria provided, single submitter. Criteria: LabCorp Variant Classification Summary - May 2015. Collection method: clinical testing. Allele origin: germline.
Comment: Variant summary: TTN c.55230_55232delAGA (p.Glu18411del) results in an in-frame deletion that is predicted to remove one amino acid from the encoded protein. The variant allele was found at a frequency of 0.00012 in 248342 control chromosomes. This frequency is not significantly higher than estimated for a pathogenic variant in TTN causing Dilated Cardiomyopathy (0.00012 vs 0.00039), allowing no conclusion about variant significance. c.55230_55232delAGA has been observed in at least one individual affected with hypertrophic cardiomyopathy, without strong evidence of causality (example: Mademont-Soler_2017). This report does not provide unequivocal conclusions about association of the variant with TTN-related disorders. To our knowledge, no experimental evidence demonstrating an impact on protein function has been reported. The following publication has been ascertained in the context of this evaluation (PMID: 28771489). ClinVar contains an entry for this variant (Variation ID: 179945). Based on the evidence outlined above, the variant was classified as uncertain significance.

Ambry Genetics
Classification: Uncertain significance for Cardiovascular phenotype. Last evaluated: 2025-07-17. Review status: criteria provided, single submitter. Criteria: Ambry Variant Classification Scheme 2023. Collection method: clinical testing. Allele origin: germline.
Comment: The c.35739_35741delAGA variant (also known as p.E11914del), located in coding exon 131 of the TTN gene, results from an in-frame AGA deletion at nucleotide positions 35739 to 35741. This results in the in-frame deletion of a glutamic acid at codon 11914. This variant (referred to as NM_001267550.2:c.62934_62936del, p.Glu20979del) was reported in an individual from a dilated cardiomyopathy cohort (Perret C et al. Clin Genet. 2024 Feb;105(2):185-189). This amino acid position is highly conserved in available vertebrate species. In addition, this alteration is predicted to be deleterious by in silico analysis (Choi Y et al. PLoS ONE. 2012; 7(10):e46688). Based on the available evidence, the clinical significance of this variant remains unclear.

Molecular Diagnostic Laboratory for Inherited Cardiovascular Disease, Montreal Heart Institute
Classification: Likely benign. Last evaluated: 2025-04-09. Review status: criteria provided, single submitter. Criteria: ACMG Guidelines, 2015. Collection method: clinical testing. Allele origin: germline. Affected: no.

Blueprint Genetics
Classification: Likely benign. Last evaluated: 2024-11-21. Review status: criteria provided, single submitter. Criteria: ACMG Guidelines, 2015. Collection method: clinical testing. Allele origin: germline.

Mayo Clinic Laboratories, Mayo Clinic
Classification: Uncertain significance. Last evaluated: 2023-05-15. Review status: criteria provided, single submitter. Criteria: ACMG Guidelines, 2015. Collection method: clinical testing. Allele origin: germline. Observed: 3 variant alleles.

CeGaT Center for Human Genetics Tuebingen
Classification: Uncertain significance. Last evaluated: 2023-01-01. Review status: criteria provided, single submitter. Criteria: CeGaT Center For Human Genetics Tuebingen Variant Classification Criteria Version 2. Collection method: clinical testing. Allele origin: germline. Affected: yes. Observed: 2 variant alleles.
Comment: TTN: PM4

CHEO Genetics Diagnostic Laboratory, Children's Hospital of Eastern Ontario
Classification: Uncertain significance for Cardiomyopathy. Last evaluated: 2022-07-05. Review status: criteria provided, single submitter. Criteria: ACMG Guidelines, 2015. Collection method: clinical testing. Allele origin: germline.

Revvity Omics, Revvity
Classification: Uncertain significance. Last evaluated: 2022-02-17. Review status: criteria provided, single submitter. Criteria: ACMG Guidelines, 2015. Collection method: clinical testing. Allele origin: germline.

GeneDx
Classification: Likely benign. Last evaluated: 2020-07-21. Review status: criteria provided, single submitter. Criteria: GeneDx Variant Classification Process June 2021. Collection method: clinical testing. Allele origin: germline. Affected: yes.
Comment: This variant is associated with the following publications: (PMID: 28771489)

Labcorp Genetics (formerly Invitae), Labcorp
Classification: Uncertain significance for Dilated cardiomyopathy 1G; Autosomal recessive limb-girdle muscular dystrophy type 2J. Last evaluated: 2017-07-24. Review status: criteria provided, single submitter. Criteria: Invitae Variant Classification Sherloc (09022015). Collection method: clinical testing. Allele origin: germline.

Eurofins Ntd Llc (ga)
Classification: Uncertain significance. Last evaluated: 2016-12-07. Review status: criteria provided, single submitter. Criteria: EGL Classification Definitions 2015. Collection method: clinical testing. Allele origin: germline. Observed: 1 variant allele, 1 heterozygote.

Laboratory for Molecular Medicine, Mass General Brigham Personalized Medicine
Classification: Uncertain significance. Last evaluated: 2015-06-09. Review status: criteria provided, single submitter. Criteria: LMM Criteria. Collection method: clinical testing. Allele origin: germline. Observed: 2 variant alleles.
Comment: This variant has also been identi fied in 12/66494 European chromosomes by the Exome Aggregation Consortium (ExAC; dbSNP rs727505236). This variant is a deletion of 1 amino acid at position 18411 and is not predicted to alter the protein read ing-frame. It is unclear if this deletion will impact the protein. In summary, t he clinical significance of the p.Glu18411 variant is uncertain.

Literature cited by the submitters: PubMed 28771489 (cited by Women's Health and Genetics/Laboratory Corporation of America, LabCorp); PubMed 37904629 (cited by Ambry Genetics).

NM_001267550.2(TTN):c.62931AGA[1] (p.Glu20979del)

Genes: TTN (titin; minus strand), TTN-AS1 (TTN antisense RNA 1; plus strand). Cytogenetic location: 2q31.2.
Variant type: Microsatellite.
Coding change: c.62931AGA[1] on transcript NM_001267550.2 (MANE Select); one copy of the 3-base unit AGA starting at c.62931; the reference has two copies in a row; one copy, 3 bases deleted.
Protein change: p.Glu20979del; deletes glutamic acid 20979.
Molecular consequence: inframe deletion.
Genome position (GRCh38, 1-based): chr2:178,588,789-178,588,791, TCT deleted on the plus strand (AGA on the coding strand, the reverse complement: TTN is on the minus strand); deleting any 3 consecutive bases within chr2:178,588,789-178,588,795 gives the same sequence; the position shown is the placement nearest the transcript's 3' end. VCF-style (leftmost placement, unchanged base first): chr2-178588788-CTCT-C. GRCh37 (hg19) VCF-style: chr2-179453515-CTCT-C.
Other names: c.55230_55232delAGA (NM_133378.4); c.58011_58013delAGA (NM_001256850.1); c.35739_35741delAGA (NM_003319.4); c.55230_55232del (NM_133378.4); c.35736AGA[1], p.Glu11914del (NM_003319.4); c.55227AGA[1], p.Glu18411del (NM_133378.4); c.36111AGA[1], p.Glu12039del (NM_133432.3); c.36312AGA[1], p.Glu12106del (NM_133437.4); and 3 more; short protein forms E18411del, E20979del, E12106del, E11914del, E19338del, E12039del.
Identifiers: ClinVar variation 179945 (VCV000179945.61), dbSNP rs727505236, ClinGen allele CA185482.